The following is an entry in ClinVar:

ClinVar aggregate classification (germline): Uncertain significance (1 of 4 stars; one submission).

Conditions:
Woodhouse-Sakati syndrome. Also called: Hypogonadism, Alopecia, Diabetes Mellitus, Mental Retardation, and Extrapyramidal Syndrome; Hypogonadism, diabetes mellitus, alopecia, mental retardation and electrocardiographic abnormalities; EXTRAPYRAMIDAL DISORDER, PROGRESSIVE, WITH PRIMARY HYPOGONADISM, MENTAL RETARDATION, AND ALOPECIA. Identifiers: Orphanet 3464, MedGen C0342286, MONDO:0009419, OMIM 241080.

gnomAD v4.1: 2 of 1,511,968 alleles (0.00013%); highest among the groups gnomAD compares: East Asian, 0.0027%; no homozygotes.

Submission:

Labcorp Genetics (formerly Invitae), Labcorp
Classification: Uncertain significance for Woodhouse-Sakati syndrome. Last evaluated: 2022-07-01. Review status: criteria provided, single submitter. Criteria: Invitae Variant Classification Sherloc (09022015). Collection method: clinical testing. Allele origin: germline.
Comment: This sequence change replaces asparagine, which is neutral and polar, with isoleucine, which is neutral and non-polar, at codon 32 of the DCAF17 protein (p.Asn32Ile). This variant is not present in population databases (gnomAD no frequency). This variant has not been reported in the literature in individuals affected with DCAF17-related conditions. Algorithms developed to predict the effect of missense changes on protein structure and function (SIFT, PolyPhen-2, Align-GVGD) all suggest that this variant is likely to be disruptive. In summary, the available evidence is currently insufficient to determine the role of this variant in disease. Therefore, it has been classified as a Variant of Uncertain Significance.

NM_025000.4(DCAF17):c.95A>T (p.Asn32Ile)

Genes: DCAF17 (DDB1 and CUL4 associated factor 17; plus strand), METTL8 (methyltransferase 8, tRNA N3-cytidine; minus strand). Cytogenetic location: 2q31.1.
Variant type: single nucleotide variant.
Coding change: c.95A>T on transcript NM_025000.4 (MANE Select); coding-DNA position 95, A replaced by T.
Protein change: p.Asn32Ile; replaces asparagine 32 with isoleucine.
Molecular consequence: missense variant. On other transcripts: non-coding transcript variant (1), splice donor variant (4).
Genome position (GRCh38, 1-based): chr2:171,434,672, A>T. VCF-style: chr2-171434672-A-T. GRCh37 (hg19) VCF-style: chr2-172291182-A-T.
Other names: c.95A>T, p.Asn32Ile (NM_001164821.2); c.8+2T>A (NM_001321161.2, NM_001321158.2, NM_001321157.2); c.-13+2T>A (NM_024770.5); short protein forms N32I.
Identifiers: ClinVar variation 2013030 (VCV002013030.1), dbSNP rs748586810, ClinGen allele CA349597993.